The following is an entry in ClinVar:

NM_002900.3(RBP3):c.2741C>T (p.Pro914Leu)

Gene: RBP3 (retinol binding protein 3; plus strand). Cytogenetic location: 10q11.22.
Variant type: single nucleotide variant.
Coding change: c.2741C>T on transcript NM_002900.3 (MANE Select); coding-DNA position 2741, C replaced by T.
Protein change: p.Pro914Leu; replaces proline 914 with leucine.
Molecular consequence: missense variant.
Genome position (GRCh38, 1-based): chr10:47,351,225, C>T. VCF-style: chr10-47351225-C-T. GRCh37 (hg19) VCF-style: chr10-48388137-G-A.
Other names: short protein forms P914L.
Identifiers: ClinVar variation 1046414 (VCV001046414.8), dbSNP rs782417123, ClinGen allele CA376674823.

ClinVar aggregate classification (germline): Uncertain significance (1 of 4 stars; one submission).

Allele frequency attached by ClinVar (database versions not stated): gnomAD exomes below 0.00001 and 0.00002; gnomAD 0.00001; TOPMed 0.00002.
gnomAD v4.1: 32 of 1,613,214 alleles (0.002%); highest among the groups gnomAD compares: Non-Finnish European, 0.0024%; no homozygotes.

Submission:

Labcorp Genetics (formerly Invitae), Labcorp
Classification: Uncertain significance. Last evaluated: 2022-08-12. Review status: criteria provided, single submitter. Criteria: Invitae Variant Classification Sherloc (09022015). Collection method: clinical testing. Allele origin: germline.
Comment: This variant is present in population databases (rs782417123, gnomAD 0.0009%). This sequence change replaces proline, which is neutral and non-polar, with leucine, which is neutral and non-polar, at codon 914 of the RBP3 protein (p.Pro914Leu). This variant has not been reported in the literature in individuals affected with RBP3-related conditions. ClinVar contains an entry for this variant (Variation ID: 1046414). Algorithms developed to predict the effect of missense changes on protein structure and function (SIFT, PolyPhen-2, Align-GVGD) all suggest that this variant is likely to be disruptive. In summary, the available evidence is currently insufficient to determine the role of this variant in disease. Therefore, it has been classified as a Variant of Uncertain Significance.